The following is an entry in ClinVar:

ClinVar aggregate classification (germline): Likely benign (1 of 4 stars; one submission).

Conditions:
CFAP47-related disorder. Also called: CFAP47-related condition.

gnomAD v4.1: 100 of 473,483 alleles (0.021%); highest among the groups gnomAD compares: South Asian, 0.049%; no homozygotes.

Submission:

PreventionGenetics, part of Exact Sciences
Classification: Likely benign for CFAP47-related condition. Last evaluated: 2025-09-19. Review status: criteria provided, single submitter. Criteria: ACMG Guidelines, 2015. Collection method: clinical testing. Allele origin: germline.
Comment: This variant is classified as likely benign based on ACMG/AMP sequence variant interpretation guidelines (Richards et al. 2015 PMID: 25741868, with internal and published modifications).

NM_001304548.2(CFAP47):c.7157C>T (p.Thr2386Met)

Gene: CFAP47 (cilia and flagella associated protein 47; plus strand). Cytogenetic location: Xp21.1.
Variant type: single nucleotide variant.
Coding change: c.7157C>T on transcript NM_001304548.2 (MANE Select); coding-DNA position 7157, C replaced by T.
Protein change: p.Thr2386Met; replaces threonine 2386 with methionine.
Molecular consequence: missense variant.
Genome position (GRCh38, 1-based): chrX:36,236,076, C>T. VCF-style: chrX-36236076-C-T. GRCh37 (hg19) VCF-style: chrX-36254193-C-T.
Other names: short protein forms T2386M.
Identifiers: ClinVar variation 4981461 (VCV004981461.1).
Genomic context (GRCh38, chrX:36,236,076, plus strand): 5'-GACCAGATGAAATTGTGGAGTATCCTCTCACATTCAAACCTATTTTTGAATGTGTCATTA[C>T]GGTATGAACTCCTTGATATTTTCCCCAGTATTAATTAATAGTATCATTAGTTAATAAACT-3'
Protein context (NP_001291477.1, residues 2376-2396): TFKPIFECVI[Thr2386Met]GKLILQNEVD